The following is an entry in ClinVar:

ClinVar aggregate classification (germline): Uncertain significance (1 of 4 stars; one submission).

Submission:

Labcorp Genetics (formerly Invitae), Labcorp
Classification: Uncertain significance. Last evaluated: 2025-04-29. Review status: criteria provided, single submitter. Criteria: Invitae Variant Classification Sherloc (09022015). Collection method: clinical testing. Allele origin: germline.
Comment: This sequence change replaces proline, which is neutral and non-polar, with serine, which is neutral and polar, at codon 28 of the PSMB4 protein (p.Pro28Ser). This variant is not present in population databases (gnomAD no frequency). This variant has not been reported in the literature in individuals affected with PSMB4-related conditions. An algorithm developed to predict the effect of missense changes on protein structure and function outputs the following: PolyPhen-2: "Benign". The serine amino acid residue is found in multiple mammalian species, which suggests that this missense change does not adversely affect protein function. In summary, the available evidence is currently insufficient to determine the role of this variant in disease. Therefore, it has been classified as a Variant of Uncertain Significance.

NM_002796.3(PSMB4):c.82C>T (p.Pro28Ser)

Gene: PSMB4 (proteasome 20S subunit beta 4; plus strand). Cytogenetic location: 1q21.3.
Variant type: single nucleotide variant.
Coding change: c.82C>T on transcript NM_002796.3 (MANE Select); coding-DNA position 82, C replaced by T.
Protein change: p.Pro28Ser; replaces proline 28 with serine.
Molecular consequence: missense variant.
Genome position (GRCh38, 1-based): chr1:151,399,669, C>T. VCF-style: chr1-151399669-C-T. GRCh37 (hg19) VCF-style: chr1-151372145-C-T.
Other names: short protein forms P28S.
Identifiers: ClinVar variation 4693983 (VCV004693983.1).